The following is an entry in ClinVar:

NM_000090.4(COL3A1):c.2410G>A (p.Gly804Ser)

Genes: COL3A1 (collagen type III alpha 1 chain; plus strand), LOC126806446 (P300/CBP strongly-dependent group 1 enhancer GRCh37_chr2:189866210-189867409; plus strand). Cytogenetic location: 2q32.2.
Variant type: single nucleotide variant.
Coding change: c.2410G>A on transcript NM_000090.4 (MANE Select); coding-DNA position 2410, G replaced by A.
Protein change: p.Gly804Ser; replaces glycine 804 with serine.
Molecular consequence: missense variant.
Genome position (GRCh38, 1-based): chr2:189,002,316, G>A. VCF-style: chr2-189002316-G-A. GRCh37 (hg19) VCF-style: chr2-189867042-G-A.
Other names: G637S; short protein forms G804S.
Identifiers: ClinVar variation 17221 (VCV000017221.2), dbSNP rs121912920, ClinGen allele CA005368.

ClinVar aggregate classification (germline): Likely pathogenic. Review status: criteria provided, single submitter (1 of 4 stars). 2 submissions from 2 submitters: Likely pathogenic (1). 1 of the submissions does not count toward it. Last evaluated 2025-10-23.

Conditions:
Thoracic aortic aneurysm or dissection.
EHLERS-DANLOS SYNDROME, NONVASCULAR VARIANT.

Submissions (2):

North West Genomic Laboratory Hub, Manchester University NHS Foundation Trust
Classification: Likely pathogenic for Thoracic aortic aneurysm or dissection. Last evaluated: 2025-10-23. Review status: criteria provided, single submitter. Criteria: ACGS Best Practice Guidelines for Variant Classification in Rare Disease 2024. Collection method: clinical testing. Allele origin: germline. Affected: yes.
Comment: PM2_Mod PP3_Supp PM1_Str PP1_Supp PS4_Supp

OMIM
Classification: Pathogenic for EHLERS-DANLOS SYNDROME, NONVASCULAR VARIANT. Last evaluated: 1994-09-01. Review status: no assertion criteria provided. Collection method: literature only. Allele origin: germline. Not counted in ClinVar's aggregate classification.

Literature cited by the submitters: PubMed 7833919 (cited by OMIM).